The following is an entry in ClinVar:

ClinVar aggregate classification (germline): Uncertain significance (1 of 4 stars; one submission).

Conditions:
Inborn genetic diseases. Identifiers: MedGen C0950123, MeSH D030342.

Submission:

Ambry Genetics
Classification: Uncertain significance for Inborn genetic diseases. Last evaluated: 2025-08-25. Review status: criteria provided, single submitter. Criteria: Ambry Variant Classification Scheme 2023. Collection method: clinical testing. Allele origin: germline.
Comment: The p.P138T variant (also known as c.412C>A), located in coding exon 3 of the MBD4 gene, results from a C to A substitution at nucleotide position 412. The proline at codon 138 is replaced by threonine, an amino acid with highly similar properties. This amino acid position is conserved. In addition, the in silico prediction for this alteration is inconclusive. Based on the available evidence, the clinical significance of this variant remains unclear.

NM_001276270.2(MBD4):c.412C>A (p.Pro138Thr)

Gene: MBD4 (methyl-CpG binding domain 4, DNA glycosylase; minus strand). Cytogenetic location: 3q21.3.
Variant type: single nucleotide variant.
Coding change: c.412C>A on transcript NM_001276270.2 (MANE Select); coding-DNA position 412, C replaced by A.
Protein change: p.Pro138Thr; replaces proline 138 with threonine.
Molecular consequence: missense variant. On other transcripts: intron variant (1).
Genome position (GRCh38, 1-based): chr3:129,437,232, G>T on the plus strand (C>A on the coding strand, the complement: MBD4 is on the minus strand). VCF-style: chr3-129437232-G-T. GRCh37 (hg19) VCF-style: chr3-129156075-G-T.
Other names: c.412C>A, p.Pro138Thr (NM_001276271.2, NM_001276272.2, NM_003925.3); c.247+576C>A (NM_001276273.2); short protein forms P138T.
Identifiers: ClinVar variation 4104666 (VCV004104666.1).
Genomic context (GRCh38, chr3:129,437,232, plus strand): 5'-AGTCTTTATATCTTGACTTGATACCCCTTTTAGAAAGTACAGTAAAATCAAAATCTTCTG[G>T]CTTAAGAGAAGTCTCTCCATTTTTGTGAAGATAATTAGCAAGTGAACTTTTGGATCTGAA-3'
Protein context (NP_001263199.1, residues 128-148): LHKNGETSLK[Pro138Thr]EDFDFTVLSK